The following is an entry in ClinVar:

NM_173630.4(RTTN):c.6642A>G (p.Lys2214=)

Gene: RTTN (rotatin; minus strand). Cytogenetic location: 18q22.2.
Variant type: single nucleotide variant.
Coding change: c.6642A>G on transcript NM_173630.4 (MANE Select); coding-DNA position 6642, A replaced by G.
Protein change: p.Lys2214=; no amino-acid change (lysine 2214 retained).
Molecular consequence: synonymous variant.
Genome position (GRCh38, 1-based): chr18:70,004,190, T>C on the plus strand (A>G on the coding strand, the complement: RTTN is on the minus strand). VCF-style: chr18-70004190-T-C. GRCh37 (hg19) VCF-style: chr18-67671426-T-C.
Other names: c.3906A>G, p.Lys1302= (NM_001318520.2).
Identifiers: ClinVar variation 515375 (VCV000515375.4), dbSNP rs1555689767, ClinGen allele CA504317430.

ClinVar aggregate classification (germline): Uncertain significance (1 of 4 stars; one submission).

Submission:

GeneDx
Classification: Uncertain significance. Last evaluated: 2021-05-04. Review status: criteria provided, single submitter. Criteria: GeneDx Variant Classification Process June 2021. Collection method: clinical testing. Allele origin: germline. Affected: yes.
Comment: Has not been previously published as pathogenic or benign to our knowledge; Nucleotide substitution has no predicted effect on splicing and is not conserved across species; Not observed in large population cohorts (Lek et al., 2016)